The following is an entry in ClinVar:

ClinVar aggregate classification (germline): Likely benign (0 of 4 stars; one submission).

Conditions:
NAA15-related disorder.

gnomAD v4.1: 10 of 1,596,716 alleles (0.00063%); highest among the groups gnomAD compares: Non-Finnish European, 0.00068%; no homozygotes.

Submission:

PreventionGenetics, part of Exact Sciences
Classification: Likely benign for NAA15-related condition. Last evaluated: 2019-10-28. Review status: no assertion criteria provided. Collection method: clinical testing. Allele origin: germline.
Comment: This variant is classified as likely benign based on ACMG/AMP sequence variant interpretation guidelines (Richards et al. 2015 PMID: 25741868, with internal and published modifications).

NM_057175.5(NAA15):c.825A>G (p.Glu275=)

Gene: NAA15 (N-alpha-acetyltransferase 15, NatA auxiliary subunit; plus strand). Cytogenetic location: 4q31.1.
Variant type: single nucleotide variant.
Coding change: c.825A>G on transcript NM_057175.5 (MANE Select); coding-DNA position 825, A replaced by G.
Protein change: p.Glu275=; no amino-acid change (glutamic acid 275 retained).
Molecular consequence: synonymous variant.
Genome position (GRCh38, 1-based): chr4:139,351,204, A>G. VCF-style: chr4-139351204-A-G. GRCh37 (hg19) VCF-style: chr4-140272358-A-G.
Other names: c.825A>G, p.Glu275= (NM_001410842.1).
Identifiers: ClinVar variation 3354768 (VCV003354768.1).